The following is an entry in ClinVar:

NC_000023.10:g.(?_31496203)_(31697723_?)del

Gene: DMD (dystrophin; minus strand). Cytogenetic location: Xp21.2-21.1.
Variant type: Deletion.
Identifiers: ClinVar variation 2424926 (VCV002424926.5).

ClinVar aggregate classification (germline): Pathogenic (1 of 4 stars; one submission).

Conditions:
Duchenne muscular dystrophy (DMD). Also called: Duchenne Muscular Dystrophy (DMD); MUSCULAR DYSTROPHY, PSEUDOHYPERTROPHIC PROGRESSIVE, DUCHENNE TYPE. Identifiers: Orphanet 98896, MedGen C0013264, MONDO:0010679, OMIM 310200.

Submission:

Labcorp Genetics (formerly Invitae), Labcorp
Classification: Pathogenic for Duchenne muscular dystrophy. Last evaluated: 2022-08-09. Review status: criteria provided, single submitter. Criteria: Invitae Variant Classification Sherloc (09022015). Collection method: clinical testing. Allele origin: germline.
Comment: For these reasons, this variant has been classified as Pathogenic. A similar copy number variant has been observed in individuals with Duchenne muscular dystrophy (PMID: 11257468, 31081998). This variant is a gross deletion of the genomic region encompassing exon(s) 53-59 of the DMD gene. This deletion is out-of-frame, and is expected to create a premature termination codon and result in an absent or disrupted protein product. Loss-of-function variants in DMD are known to be pathogenic (PMID: 16770791, 25007885).

Literature cited by the submitters: PubMed 11257468; PubMed 31081998; PubMed 16770791; PubMed 25007885.